The following is an entry in ClinVar:

NM_005188.4(CBL):c.188T>C (p.Met63Thr)

Genes: CBL (Cbl proto-oncogene; plus strand), LOC130006895 (ATAC-STARR-seq lymphoblastoid silent region 3975; plus strand). Cytogenetic location: 11q23.3.
Variant type: single nucleotide variant.
Coding change: c.188T>C on transcript NM_005188.4 (MANE Select); coding-DNA position 188, T replaced by C.
Protein change: p.Met63Thr; replaces methionine 63 with threonine.
Molecular consequence: missense variant.
Genome position (GRCh38, 1-based): chr11:119,206,605, T>C. VCF-style: chr11-119206605-T-C. GRCh37 (hg19) VCF-style: chr11-119077315-T-C.
Other names: short protein forms M63T.
Identifiers: ClinVar variation 4721299 (VCV004721299.1).

ClinVar aggregate classification (germline): Uncertain significance (1 of 4 stars; one submission).

Conditions:
RASopathy. Also called: rasopathies; Noonan spectrum disorder. Identifiers: Orphanet 536391, MedGen C5555857, MONDO:0021060.

Submission:

Labcorp Genetics (formerly Invitae), Labcorp
Classification: Uncertain significance for RASopathy. Last evaluated: 2025-06-27. Review status: criteria provided, single submitter. Criteria: Invitae Variant Classification Sherloc (09022015). Collection method: clinical testing. Allele origin: germline.
Comment: This sequence change replaces methionine, which is neutral and non-polar, with threonine, which is neutral and polar, at codon 63 of the CBL protein (p.Met63Thr). This variant is not present in population databases (gnomAD no frequency). This variant has not been reported in the literature in individuals affected with CBL-related conditions. Invitae Evidence Modeling of protein sequence and biophysical properties (such as structural, functional, and spatial information, amino acid conservation, physicochemical variation, residue mobility, and thermodynamic stability) indicates that this missense variant is expected to disrupt CBL protein function with a positive predictive value of 95%. In summary, the available evidence is currently insufficient to determine the role of this variant in disease. Therefore, it has been classified as a Variant of Uncertain Significance.